The following is an entry in ClinVar:

NM_001374623.1(PNPLA1):c.1268C>A (p.Pro423His)

Gene: PNPLA1 (patatin like domain 1, omega-hydroxyceramide transacylase; plus strand). Cytogenetic location: 6p21.31.
Variant type: single nucleotide variant.
Coding change: c.1268C>A on transcript NM_001374623.1 (MANE Select); coding-DNA position 1268, C replaced by A.
Protein change: p.Pro423His; replaces proline 423 with histidine.
Molecular consequence: missense variant.
Genome position (GRCh38, 1-based): chr6:36,302,353, C>A. VCF-style: chr6-36302353-C-A. GRCh37 (hg19) VCF-style: chr6-36270130-C-A.
Other names: c.1268C>A, p.Pro423His (NM_001145717.1); c.1010C>A, p.Pro337His (NM_001145716.2); c.983C>A, p.Pro328His (NM_173676.2); short protein forms P328H, P423H, P337H.
Identifiers: ClinVar variation 257569 (VCV000257569.23), dbSNP rs12199580, ClinGen allele CA3777970.

ClinVar aggregate classification (germline): Benign. Review status: criteria provided, multiple submitters, no conflicts (2 of 4 stars). 7 submissions from 7 submitters: Benign (5). 2 of the submissions do not count toward it. Last evaluated 2026-02-04.

Conditions:
Autosomal recessive congenital ichthyosis 10 (ARCI10). Identifiers: Orphanet 79394, MedGen C3554355, MONDO:0014011, OMIM 615024.

Allele frequency attached by ClinVar (database versions not stated): 1000 Genomes Project 30x 0.28513; TOPMed 0.34691; 1000 Genomes Project 0.28235; ESP Exome Variant Server 0.35645; ExAC 0.38925; gnomAD exomes 0.39557.
gnomAD v4.1: 651,434 of 1,611,662 alleles (40%); highest among the groups gnomAD compares: Admixed American, 52%; 137,027 homozygotes.

Submissions (7):

Labcorp Genetics (formerly Invitae), Labcorp
Classification: Benign. Last evaluated: 2026-02-04. Review status: criteria provided, single submitter. Criteria: Invitae Variant Classification Sherloc (09022015). Collection method: clinical testing. Allele origin: germline.

Genome-Nilou Lab
Classification: Benign for Autosomal recessive congenital ichthyosis 10. Last evaluated: 2021-10-25. Review status: criteria provided, single submitter. Criteria: ACMG Guidelines, 2015. Collection method: clinical testing. Allele origin: germline. Affected: no.

GeneDx
Classification: Benign. Last evaluated: 2021-06-09. Review status: criteria provided, single submitter. Criteria: GeneDx Variant Classification Process June 2021. Collection method: clinical testing. Allele origin: germline. Affected: yes.

Illumina Laboratory Services, Illumina
Classification: Benign for Autosomal recessive congenital ichthyosis 10. Last evaluated: 2018-01-13. Review status: criteria provided, single submitter. Criteria: ICSL Variant Classification Criteria 13 December 2019. Collection method: clinical testing. Allele origin: germline.
Comment: This variant was observed in the ICSL laboratory as part of a predisposition screen in an ostensibly healthy population. It had not been previously curated by ICSL or reported in the Human Gene Mutation Database (HGMD: prior to June 1st, 2018), and was therefore a candidate for classification through an automated scoring system. Utilizing variant allele frequency, disease prevalence and penetrance estimates, and inheritance mode, an automated score was calculated to assess if this variant is too frequent to cause the disease. Based on the score and internal cut-off values, a variant classified as benign is not then subjected to further curation. The score for this variant resulted in a classification of benign for this disease.

PreventionGenetics, part of Exact Sciences
Classification: Benign. Review status: criteria provided, single submitter. Criteria: ACMG Guidelines, 2015. Collection method: clinical testing. Allele origin: germline.

Diagnostic Laboratory, Department of Genetics, University Medical Center Groningen
Classification: Benign. Review status: no assertion criteria provided. Collection method: clinical testing. Allele origin: germline. Affected: yes. Study: VKGL Data-share Consensus. Not counted in ClinVar's aggregate classification.

Joint Genome Diagnostic Labs from Nijmegen and Maastricht, Radboudumc and MUMC+
Classification: Benign. Review status: no assertion criteria provided. Collection method: clinical testing. Allele origin: germline. Affected: yes. Study: VKGL Data-share Consensus. Not counted in ClinVar's aggregate classification.